The following is an entry in ClinVar:

ClinVar aggregate classification (germline): Uncertain significance (1 of 4 stars; one submission).

Conditions:
Atrioventricular septal defect 4 (AVSD4). Identifiers: MedGen C3280781, MONDO:0013747, OMIM 614430.

Allele frequency attached by ClinVar (database versions not stated): gnomAD exomes below 0.00001; ExAC 0.00004.
gnomAD v4.1: 1 of 1,554,414 alleles (0.000064%); highest among the groups gnomAD compares: Admixed American, 0.0019%; no homozygotes.

Submission:

Labcorp Genetics (formerly Invitae), Labcorp
Classification: Uncertain significance for Atrioventricular septal defect 4. Last evaluated: 2023-12-28. Review status: criteria provided, single submitter. Criteria: Invitae Variant Classification Sherloc (09022015). Collection method: clinical testing. Allele origin: germline.
Comment: This sequence change replaces glycine, which is neutral and non-polar, with valine, which is neutral and non-polar, at codon 22 of the GATA4 protein (p.Gly22Val). The frequency data for this variant in the population databases is considered unreliable, as metrics indicate poor data quality at this position in the gnomAD database. This variant has not been reported in the literature in individuals affected with GATA4-related conditions. An algorithm developed to predict the effect of missense changes on protein structure and function (PolyPhen-2) suggests that this variant is likely to be disruptive. In summary, the available evidence is currently insufficient to determine the role of this variant in disease. Therefore, it has been classified as a Variant of Uncertain Significance.

NM_001308093.3(GATA4):c.65G>T (p.Gly22Val)

Gene: GATA4 (GATA binding protein 4). Cytogenetic location: 8p23.1.
Variant type: single nucleotide variant.
Coding change: c.65G>T on transcript NM_001308093.3 (MANE Select); coding-DNA position 65, G replaced by T.
Protein change: p.Gly22Val; replaces glycine 22 with valine.
Molecular consequence: missense variant. On other transcripts: intron variant (3).
Genome position (GRCh38, 1-based): chr8:11,708,377, G>T. VCF-style: chr8-11708377-G-T. GRCh37 (hg19) VCF-style: chr8-11565886-G-T.
Other names: c.65G>T, p.Gly22Val (NM_002052.5); c.-6+7599G>T (NM_001308094.2); c.-3+363G>T (NM_001374274.1); c.-3+4073G>T (NM_001374273.1); short protein forms G22V.
Identifiers: ClinVar variation 2807445 (VCV002807445.3), dbSNP rs758117613, ClinGen allele CA4630598.